The following is an entry in ClinVar:

NM_001903.5(CTNNA1):c.106-7C>G

Gene: CTNNA1 (catenin alpha 1; plus strand). Cytogenetic location: 5q31.2.
Variant type: single nucleotide variant.
Coding change: c.106-7C>G on transcript NM_001903.5 (MANE Select); 7 bases into the intron before coding-DNA position 106, C replaced by G.
Molecular consequence: intron variant.
Genome position (GRCh38, 1-based): chr5:138,783,170, C>G. VCF-style: chr5-138783170-C-G. GRCh37 (hg19) VCF-style: chr5-138118859-C-G.
Other names: c.106-7C>G (NM_001323982.2, NM_001323984.2, NM_001290307.3 and 3 more transcripts); c.-101-7C>G (NM_001290310.3); c.-9+1141C>G (NM_001290309.3).
Identifiers: ClinVar variation 954287 (VCV000954287.9), dbSNP rs1755317721, ClinGen allele CA1139659086.

ClinVar aggregate classification (germline): Uncertain significance (1 of 4 stars; one submission).

Submission:

Labcorp Genetics (formerly Invitae), Labcorp
Classification: Uncertain significance. Last evaluated: 2019-08-13. Review status: criteria provided, single submitter. Criteria: Invitae Variant Classification Sherloc (09022015). Collection method: clinical testing. Allele origin: germline.
Comment: Algorithms developed to predict the effect of sequence changes on RNA splicing suggest that this variant may disrupt the consensus splice site, but this prediction has not been confirmed by published transcriptional studies. This variant has not been reported in the literature in individuals with CTNNA1-related conditions. This variant is not present in population databases (ExAC no frequency). This sequence change falls in intron 2 of the CTNNA1 gene. It does not directly change the encoded amino acid sequence of the CTNNA1 protein. In summary, the available evidence is currently insufficient to determine the role of this variant in disease. Therefore, it has been classified as a Variant of Uncertain Significance.